The following is an entry in ClinVar:

NM_138927.4(SON):c.5621G>A (p.Ser1874Asn)

Gene: SON (SON DNA and RNA binding protein; plus strand). Cytogenetic location: 21q22.11.
Variant type: single nucleotide variant.
Coding change: c.5621G>A on transcript NM_138927.4 (MANE Select); coding-DNA position 5621, G replaced by A.
Protein change: p.Ser1874Asn; replaces serine 1874 with asparagine.
Molecular consequence: missense variant. On other transcripts: non-coding transcript variant (1), intron variant (1).
Genome position (GRCh38, 1-based): chr21:33,554,852, G>A. VCF-style: chr21-33554852-G-A. GRCh37 (hg19) VCF-style: chr21-34927158-G-A.
Other names: c.5621G>A, p.Ser1874Asn (NM_001291411.2, NM_032195.3); c.245-2304G>A (NM_001291412.3); short protein forms S1874N.
Identifiers: ClinVar variation 4717585 (VCV004717585.1).
Genomic context (GRCh38, chr21:33,554,852, plus strand): 5'-CCAAGTCTCATCGCTCTCAGACACGTTCACGGTCACGTTCAAGACGCAGGAGGAGAAGCA[G>A]CAGATCAAGATCAAAGTCTAGAGGAAGAAGATCTGTATCAAAAGAGAAGCGCAAAAGATC-3'
Protein context (NP_620305.3, residues 1864-1884): RSRSRRRRRS[Ser1874Asn]RSRSKSRGRR

ClinVar aggregate classification (germline): Uncertain significance (1 of 4 stars; one submission).

Submission:

Labcorp Genetics (formerly Invitae), Labcorp
Classification: Uncertain significance. Last evaluated: 2025-04-17. Review status: criteria provided, single submitter. Criteria: Invitae Variant Classification Sherloc (09022015). Collection method: clinical testing. Allele origin: germline.
Comment: This sequence change replaces serine, which is neutral and polar, with asparagine, which is neutral and polar, at codon 1874 of the SON protein (p.Ser1874Asn). This variant is not present in population databases (gnomAD no frequency). This variant has not been reported in the literature in individuals affected with SON-related conditions. Experimental studies and prediction algorithms are not available or were not evaluated, and the functional significance of this variant is currently unknown. In summary, the available evidence is currently insufficient to determine the role of this variant in disease. Therefore, it has been classified as a Variant of Uncertain Significance.